The following is an entry in ClinVar:

NM_000260.4(MYO7A):c.1690+3A>G

Gene: MYO7A (myosin VIIA; plus strand). Cytogenetic location: 11q13.5.
Variant type: single nucleotide variant.
Coding change: c.1690+3A>G on transcript NM_000260.4 (MANE Select); 3 bases into the intron after coding-DNA position 1690, A replaced by G.
Molecular consequence: intron variant.
Genome position (GRCh38, 1-based): chr11:77,162,991, A>G. VCF-style: chr11-77162991-A-G. GRCh37 (hg19) VCF-style: chr11-76874037-A-G.
Other names: c.1657+3A>G (NM_001369365.1); c.1690+3A>G (NM_001127180.2).
Identifiers: ClinVar variation 957775 (VCV000957775.11), dbSNP rs1555070313, ClinGen allele CA600343794.

ClinVar aggregate classification (germline): Uncertain significance. Review status: criteria provided, multiple submitters, no conflicts (2 of 4 stars). 5 submissions from 5 submitters: Uncertain significance (4). 1 of the submissions does not count toward it. Last evaluated 2025-04-21.

Conditions:
Autosomal recessive nonsyndromic hearing loss 2. Also called: NEUROSENSORY NONSYNDROMIC RECESSIVE DEAFNESS 2; DEAFNESS, AUTOSOMAL RECESSIVE 2. Identifiers: Orphanet 90636, MedGen C1838701, MONDO:0010807, OMIM 600060.
Usher syndrome type 1 (USH1). Also called: RETINITIS PIGMENTOSA AND CONGENITAL DEAFNESS. Identifiers: Orphanet 231169, Orphanet 886, MedGen C1568247, MONDO:0010168, OMIM 276900.
Autosomal dominant nonsyndromic hearing loss 11. Identifiers: Orphanet 90635, MedGen C1832475, MONDO:0011032, OMIM 601317.
Usher syndrome type 1B (USH1B). Also called: Usher syndrome type IB. Identifiers: MedGen C1848638, MONDO:0700087.

Allele frequency attached by ClinVar (database versions not stated): gnomAD exomes below 0.00001 and 0.00001.

Submissions (5):

Labcorp Genetics (formerly Invitae), Labcorp
Classification: Uncertain significance. Last evaluated: 2025-04-21. Review status: criteria provided, single submitter. Criteria: Invitae Variant Classification Sherloc (09022015). Collection method: clinical testing. Allele origin: germline.
Comment: This sequence change falls in intron 14 of the MYO7A gene. It does not directly change the encoded amino acid sequence of the MYO7A protein. It affects a nucleotide within the consensus splice site. This variant is present in population databases (no rsID available, gnomAD 0.002%). This variant has not been reported in the literature in individuals affected with MYO7A-related conditions. ClinVar contains an entry for this variant (Variation ID: 957775). Variants that disrupt the consensus splice site are a relatively common cause of aberrant splicing (PMID: 17576681, 9536098). Algorithms developed to predict the effect of sequence changes on RNA splicing suggest that this variant is not likely to affect RNA splicing. In summary, the available evidence is currently insufficient to determine the role of this variant in disease. Therefore, it has been classified as a Variant of Uncertain Significance.

Women's Health and Genetics/Laboratory Corporation of America, LabCorp
Classification: Uncertain significance. Last evaluated: 2024-06-24. Review status: criteria provided, single submitter. Criteria: LabCorp Variant Classification Summary - May 2015. Collection method: clinical testing. Allele origin: germline.

Fulgent Genetics
Classification: Uncertain significance for Usher syndrome type 1; Autosomal recessive nonsyndromic hearing loss 2; Autosomal dominant nonsyndromic hearing loss 11. Last evaluated: 2021-07-09. Review status: criteria provided, single submitter. Criteria: ACMG Guidelines, 2015. Collection method: clinical testing. Allele origin: unknown.

Blueprint Genetics
Classification: Uncertain significance. Last evaluated: 2019-10-04. Review status: criteria provided, single submitter. Criteria: ACMG Guidelines, 2015. Collection method: clinical testing. Allele origin: germline.

Natera, Inc.
Classification: Uncertain significance for Usher syndrome type 1B. Last evaluated: 2021-03-30. Review status: no assertion criteria provided. Collection method: clinical testing. Allele origin: germline. Not counted in ClinVar's aggregate classification.

Literature cited by the submitters: PubMed 17576681 (cited by Labcorp Genetics (formerly Invitae), Labcorp); PubMed 9536098 (cited by Labcorp Genetics (formerly Invitae), Labcorp).